The following is an entry in ClinVar:

NM_000553.6(WRN):c.2275T>G (p.Ser759Ala)

Gene: WRN (WRN RecQ like helicase; plus strand). Cytogenetic location: 8p12.
Variant type: single nucleotide variant.
Coding change: c.2275T>G on transcript NM_000553.6 (MANE Select); coding-DNA position 2275, T replaced by G.
Protein change: p.Ser759Ala; replaces serine 759 with alanine.
Molecular consequence: missense variant.
Genome position (GRCh38, 1-based): chr8:31,116,355, T>G. VCF-style: chr8-31116355-T-G. GRCh37 (hg19) VCF-style: chr8-30973871-T-G.
Other names: short protein forms S759A.
Identifiers: ClinVar variation 1521579 (VCV001521579.6), dbSNP rs2130304602, ClinGen allele CA370913332.

ClinVar aggregate classification (germline): Uncertain significance (1 of 4 stars; one submission).

Conditions:
Werner syndrome (WRN). Identifiers: Orphanet 902, MedGen C0043119, MONDO:0010196, OMIM 277700.

Submission:

Labcorp Genetics (formerly Invitae), Labcorp
Classification: Uncertain significance for Werner syndrome. Last evaluated: 2021-05-05. Review status: criteria provided, single submitter. Criteria: Invitae Variant Classification Sherloc (09022015). Collection method: clinical testing. Allele origin: germline.
Comment: In summary, the available evidence is currently insufficient to determine the role of this variant in disease. Therefore, it has been classified as a Variant of Uncertain Significance. Algorithms developed to predict the effect of missense changes on protein structure and function are either unavailable or do not agree on the potential impact of this missense change (SIFT: "Not Available"; PolyPhen-2: "Benign"; Align-GVGD: "Not Available"). This variant is not present in population databases (ExAC no frequency). This variant has not been reported in the literature in individuals with WRN-related conditions. This sequence change replaces serine with alanine at codon 759 of the WRN protein (p.Ser759Ala). The serine residue is moderately conserved and there is a moderate physicochemical difference between serine and alanine.